The following is an entry in ClinVar:

NM_001903.5(CTNNA1):c.259A>C (p.Lys87Gln)

Gene: CTNNA1 (catenin alpha 1; plus strand). Cytogenetic location: 5q31.2.
Variant type: single nucleotide variant.
Coding change: c.259A>C on transcript NM_001903.5 (MANE Select); coding-DNA position 259, A replaced by C.
Protein change: p.Lys87Gln; replaces lysine 87 with glutamine.
Molecular consequence: missense variant. On other transcripts: intron variant (2).
Genome position (GRCh38, 1-based): chr5:138,783,330, A>C. VCF-style: chr5-138783330-A-C. GRCh37 (hg19) VCF-style: chr5-138119019-A-C.
Other names: c.259A>C, p.Lys87Gln (NM_001290307.3, NM_001323982.2, NM_001323983.1 and 3 more transcripts); c.-6+58A>C (NM_001290310.3); c.-9+1301A>C (NM_001290309.3); short protein forms K87Q.
Identifiers: ClinVar variation 662081 (VCV000662081.11), dbSNP rs756417618, ClinGen allele CA361477632.
Genomic context (GRCh38, chr5:138,783,330, plus strand): 5'-CAAGCAACTGAGAATTTCTTGGAGAAGGGGGATAAAATTGCGAAGGAGAGCCAGTTTCTC[A>C]AGGAGGAGCTTGTGGCTGCTGTAGAAGATGTTCGAAAACAAGGTAGGTCATTACTGCTTT-3'
Protein context (NP_001894.2, residues 77-97): DKIAKESQFL[Lys87Gln]EELVAAVEDV

ClinVar aggregate classification (germline): Uncertain significance. Review status: criteria provided, multiple submitters, no conflicts (2 of 4 stars). 2 submissions from 2 submitters: Uncertain significance (2). Last evaluated 2021-04-27.

Conditions:
Hereditary cancer-predisposing syndrome. Also called: Neoplastic Syndromes, Hereditary; Tumor predisposition; Hereditary neoplastic syndrome; Hereditary Cancer Syndrome. Identifiers: Orphanet 140162, MedGen C0027672, MeSH D009386, MONDO:0015356.

Allele frequency attached by ClinVar (database versions not stated): TOPMed below 0.00001; gnomAD 0.00003.
gnomAD v4.1: 1 of 1,614,076 alleles (0.000062%); no homozygotes.

Submissions (2):

Ambry Genetics
Classification: Uncertain significance for Hereditary cancer-predisposing syndrome. Last evaluated: 2021-04-27. Review status: criteria provided, single submitter. Criteria: Ambry Variant Classification Scheme 2023. Collection method: clinical testing. Allele origin: germline.
Comment: The p.K87Q variant (also known as c.259A>C), located in coding exon 2 of the CTNNA1 gene, results from an A to C substitution at nucleotide position 259. The lysine at codon 87 is replaced by glutamine, an amino acid with similar properties. In one study, this alteration was identified in 1/151,425 individuals who underwent multi-gene germline genetic testing and classified as a variant of uncertain significance by the authors (Clark DF et al. Genet Med, 2020 05;22:840-846). This amino acid position is highly conserved in available vertebrate species. In addition, the in silico prediction for this alteration is inconclusive. Since supporting evidence is limited at this time, the clinical significance of this alteration remains unclear.

Labcorp Genetics (formerly Invitae), Labcorp
Classification: Uncertain significance. Last evaluated: 2018-12-14. Review status: criteria provided, single submitter. Criteria: Invitae Variant Classification Sherloc (09022015). Collection method: clinical testing. Allele origin: germline.
Comment: This sequence change replaces lysine with glutamine at codon 87 of the CTNNA1 protein (p.Lys87Gln). The lysine residue is highly conserved and there is a small physicochemical difference between lysine and glutamine. This variant is not present in population databases (ExAC no frequency). This variant has not been reported in the literature in individuals with CTNNA1-related conditions. Algorithms developed to predict the effect of missense changes on protein structure and function are either unavailable or do not agree on the potential impact of this missense change (SIFT: "Deleterious"; PolyPhen-2: "Benign"; Align-GVGD: "Class C0"). In summary, the available evidence is currently insufficient to determine the role of this variant in disease. Therefore, it has been classified as a Variant of Uncertain Significance.

Literature cited by the submitters: PubMed 32051609 (cited by Ambry Genetics).